The following is an entry in ClinVar:

ClinVar aggregate classification (germline): Likely benign. Review status: criteria provided, multiple submitters, no conflicts (2 of 4 stars). 2 submissions from 2 submitters: Likely benign (2). Last evaluated 2026-01-26.

Conditions:
Methylmalonic acidemia with homocystinuria, type cblJ (MAHCJ). Also called: METHYLMALONIC ACIDURIA AND HOMOCYSTINURIA, cblJ TYPE. Identifiers: Orphanet 369955, MedGen C3553915, MONDO:0013925, OMIM 614857.

Allele frequency attached by ClinVar (database versions not stated): gnomAD 0.00004 and 0.00006; gnomAD exomes 0.00006; TOPMed 0.00006; ExAC 0.00007; ESP Exome Variant Server 0.00015.
gnomAD v4.1: 93 of 1,609,196 alleles (0.0058%); highest among the groups gnomAD compares: Middle Eastern, 0.019%; no homozygotes.

Submissions (2):

Labcorp Genetics (formerly Invitae), Labcorp
Classification: Likely benign for Methylmalonic acidemia with homocystinuria, type cblJ. Last evaluated: 2026-01-26. Review status: criteria provided, single submitter. Criteria: Invitae Variant Classification Sherloc (09022015). Collection method: clinical testing. Allele origin: germline.

GeneDx
Classification: Likely benign. Last evaluated: 2017-09-13. Review status: criteria provided, single submitter. Criteria: GeneDx Variant Classification (06012015). Collection method: clinical testing. Allele origin: germline. Affected: yes.
Comment: This variant is considered likely benign or benign based on one or more of the following criteria: it is a conservative change, it occurs at a poorly conserved position in the protein, it is predicted to be benign by multiple in silico algorithms, and/or has population frequency not consistent with disease.

NM_005050.4(ABCD4):c.1518G>A (p.Val506=)

Gene: ABCD4 (ATP binding cassette subfamily D member 4; minus strand). Cytogenetic location: 14q24.3.
Variant type: single nucleotide variant.
Coding change: c.1518G>A on transcript NM_005050.4 (MANE Select); coding-DNA position 1518, G replaced by A.
Protein change: p.Val506=; no amino-acid change (valine 506 retained).
Molecular consequence: synonymous variant. On other transcripts: nonsense (1), non-coding transcript variant (10).
Genome position (GRCh38, 1-based): chr14:74,288,248, C>T on the plus strand (G>A on the coding strand, the complement: ABCD4 is on the minus strand). VCF-style: chr14-74288248-C-T. GRCh37 (hg19) VCF-style: chr14-74754951-C-T.
Other names: c.1392G>A, p.Val464= (NM_001353591.2, NM_001353592.2); c.1257G>A, p.Val419= (NM_001353593.2); c.1206G>A, p.Val402= (NM_001353594.2); c.1104G>A, p.Val368= (NM_001353595.2, NM_001353596.2); c.1053G>A, p.Val351= (NM_001353597.2); c.1041G>A, p.Val347= (NM_001353598.2, NM_001353599.2, NM_001353600.2 and 2 more transcripts); c.729G>A, p.Val243= (NM_001353602.2, NM_001353603.2, NM_001353604.2 and 5 more transcripts); c.785G>A, p.Trp262Ter (NM_001353610.2); and 1 more; short protein forms W262*.
Identifiers: ClinVar variation 506732 (VCV000506732.8), dbSNP rs372838114, ClinGen allele CA7266725.